The following is an entry in ClinVar:

ClinVar aggregate classification (germline): Likely benign (1 of 4 stars; one submission).

Submission:

CeGaT Center for Human Genetics Tuebingen
Classification: Likely benign. Last evaluated: 2024-12-01. Review status: criteria provided, single submitter. Criteria: CeGaT Center For Human Genetics Tuebingen Variant Classification Criteria Version 2. Collection method: clinical testing. Allele origin: germline. Affected: yes. Observed: 1 variant allele.
Comment: PLIN4: BP4, BP7

NM_001367868.2(PLIN4):c.2379T>G (p.Thr793=)

Gene: PLIN4 (perilipin 4; minus strand). Cytogenetic location: 19p13.3.
Variant type: single nucleotide variant.
Coding change: c.2379T>G on transcript NM_001367868.2 (MANE Select); coding-DNA position 2379, T replaced by G.
Protein change: p.Thr793=; no amino-acid change (threonine 793 retained).
Molecular consequence: synonymous variant.
Genome position (GRCh38, 1-based): chr19:4,511,581, A>C on the plus strand (T>G on the coding strand, the complement: PLIN4 is on the minus strand). VCF-style: chr19-4511581-A-C. GRCh37 (hg19) VCF-style: chr19-4511593-A-C.
Other names: c.2382T>G, p.Thr794= (NM_001393888.1, NM_001393889.1); c.2379T>G, p.Thr793= (NM_001393890.1, NM_001393891.1).
Identifiers: ClinVar variation 3771451 (VCV003771451.13).